The following is an entry in ClinVar:

NM_000141.5(FGFR2):c.940-2A>T

Gene: FGFR2 (fibroblast growth factor receptor 2; minus strand). Cytogenetic location: 10q26.13.
Variant type: single nucleotide variant.
Coding change: c.940-2A>T on transcript NM_000141.5 (MANE Select); the canonical splice acceptor site of the intron before coding-DNA position 940, A replaced by T.
Molecular consequence: splice acceptor variant. On other transcripts: intron variant (7).
Genome position (GRCh38, 1-based): chr10:121,517,465, T>A on the plus strand (A>T on the coding strand, the complement: FGFR2 is on the minus strand). VCF-style: chr10-121517465-T-A. GRCh37 (hg19) VCF-style: chr10-123276979-T-A.
Other names: c.749-2146A>T (NM_001144914.1); c.595-2A>T (NM_001144918.2, NM_001441091.1, NM_001441090.1 and 1 more transcripts); c.673-2A>T (NM_001441089.1, NM_023029.3, NM_001144915.2); c.820+1217A>T (NM_001441088.1, NM_001144919.2); c.939+2514A>T (NM_001144917.2); c.940-2A>T (NM_001320658.2); c.1087+1217A>T (NM_001441087.1, NM_022970.4, NM_001144913.1); c.256-2A>T (NM_001320654.2).
Identifiers: ClinVar variation 4292260 (VCV004292260.1).

ClinVar aggregate classification (germline): Pathogenic (1 of 4 stars; one submission).

Conditions:
Pfeiffer syndrome (ACS5). Also called: ACS V. Identifiers: Orphanet 710, MedGen C0220658, MONDO:0007043, OMIM 101600.

Submission:

3billion
Classification: Pathogenic for Pfeiffer syndrome. Last evaluated: 2025-03-10. Review status: criteria provided, single submitter. Criteria: ACMG Guidelines, 2015. Collection method: clinical testing. Allele origin: germline. Affected: yes.
Comment: The variant is not observed in the gnomAD v4.1.0 dataset. Predicted Consequence/Location: Canonical splice site: predicted to alter splicing and result in a loss or disruption of normal protein function. Multiple pathogenic loss-of-function variants are reported downstream of the variant. In silico tools predict the variant to alter splicing and produce an abnormal transcript [SpliceAI: 0.99 (spliceogenicity >=0.2, non-spliceogenicity <0.1)]. The variant has been reported to be associated with FGFR2-related disorder (PMID: 10425034). Therefore, this variant is classified as Pathogenic according to the recommendation of ACMG/AMP guideline.

Literature cited by the submitters: PubMed 10425034.